The following is an entry in ClinVar:

NM_206933.4(USH2A):c.9226_9227del (p.Asp3076fs)

Gene: USH2A (usherin; minus strand). Cytogenetic location: 1q41.
Variant type: Microsatellite.
Coding change: c.9226_9227del on transcript NM_206933.4 (MANE Select); coding-DNA positions 9226 to 9227, 2 bases deleted (GA; older notation c.9226_9227delGA).
Protein change: p.Asp3076fs; shifts the reading frame from aspartic acid 3076.
Molecular consequence: frameshift variant.
Genome position (GRCh38, 1-based): chr1:215,844,325-215,844,326, TC deleted on the plus strand (GA on the coding strand, the reverse complement: USH2A is on the minus strand); deleting any 2 consecutive bases within chr1:215,844,325-215,844,330 gives the same sequence; the c. name uses the placement nearest the transcript's 3' end. VCF-style (leftmost placement, unchanged base first): chr1-215844324-GTC-G. GRCh37 (hg19) VCF-style: chr1-216017666-GTC-G.
Other names: short protein forms D3076fs.
Identifiers: ClinVar variation 554150 (VCV000554150.5), dbSNP rs1553268434, ClinGen allele CA645530623.
Genomic context (GRCh38, chr1:215,844,324, plus strand): 5'-AGCCTAACCATCAAAAAACAATGTTCTAACCTGAATGTCATAGATAGTGAAGGGAGACAG[GTC>G]TCTCAGAATAAACGACCCAGGCACATTCATTCCAGTCTTGTAGAGCTTATTATTTACATA-3'

ClinVar aggregate classification (germline): Pathogenic. Review status: criteria provided, single submitter (1 of 4 stars). 2 submissions from 2 submitters: Pathogenic (1). 1 of the submissions does not count toward it. Last evaluated 2022-11-01.

Conditions:
Retinitis pigmentosa 39 (RP39). Identifiers: Orphanet 791, MedGen C3151138, MONDO:0013436, OMIM 613809.
Usher syndrome type 2A. Also called: RETINAL DISEASE IN USHER SYNDROME TYPE IIA, MODIFIER OF; USHER SYNDROME, TYPE IIA. Identifiers: Orphanet 231178, Orphanet 886, MedGen C1848634, MONDO:0010169, OMIM 276901.

Submissions (2):

Labcorp Genetics (formerly Invitae), Labcorp
Classification: Pathogenic. Last evaluated: 2022-11-01. Review status: criteria provided, single submitter. Criteria: Invitae Variant Classification Sherloc (09022015). Collection method: clinical testing. Allele origin: germline.
Comment: For these reasons, this variant has been classified as Pathogenic. ClinVar contains an entry for this variant (Variation ID: 554150). This variant has not been reported in the literature in individuals affected with USH2A-related conditions. This variant is not present in population databases (gnomAD no frequency). This sequence change creates a premature translational stop signal (p.Asp3076Profs*8) in the USH2A gene. It is expected to result in an absent or disrupted protein product. Loss-of-function variants in USH2A are known to be pathogenic (PMID: 10729113, 10909849, 20507924, 25649381).

Counsyl
Classification: Likely pathogenic for Usher syndrome type 2A; Retinitis pigmentosa 39. Last evaluated: 2017-09-28. Review status: no assertion criteria provided. Collection method: clinical testing. Allele origin: unknown. Not counted in ClinVar's aggregate classification.

Literature cited by the submitters: PubMed 10729113 (cited by Labcorp Genetics (formerly Invitae), Labcorp); PubMed 10909849 (cited by Labcorp Genetics (formerly Invitae), Labcorp); PubMed 20507924 (cited by Labcorp Genetics (formerly Invitae), Labcorp); PubMed 25649381 (cited by Labcorp Genetics (formerly Invitae), Labcorp).